The following is an entry in ClinVar:

ClinVar aggregate classification (germline): Uncertain significance (1 of 4 stars; one submission).

Submission:

GeneDx
Classification: Uncertain significance. Last evaluated: 2026-02-17. Review status: criteria provided, single submitter. Criteria: GeneDx Variant Classification Process June 2021. Collection method: clinical testing. Allele origin: germline.
Comment: Not observed at significant frequency in large population cohorts (gnomAD); In silico analysis supports that this missense variant has a deleterious effect on protein structure/function; Has not been previously published as pathogenic or benign to our knowledge

NM_001270974.2(HYDIN):c.14202C>G (p.Ile4734Met)

Gene: HYDIN (HYDIN axonemal central pair apparatus protein; minus strand). Cytogenetic location: 16q22.2.
Variant type: single nucleotide variant.
Coding change: c.14202C>G on transcript NM_001270974.2 (MANE Select); coding-DNA position 14202, C replaced by G.
Protein change: p.Ile4734Met; replaces isoleucine 4734 with methionine.
Molecular consequence: missense variant.
Genome position (GRCh38, 1-based): chr16:70,828,340, G>C on the plus strand (C>G on the coding strand, the complement: HYDIN is on the minus strand). VCF-style: chr16-70828340-G-C. GRCh37 (hg19) VCF-style: chr16-70862243-G-C.
Other names: short protein forms I4734M.
Identifiers: ClinVar variation 4976502 (VCV004976502.1).